The following is an entry in ClinVar:

ClinVar aggregate classification (germline): Benign/Likely benign. Review status: criteria provided, multiple submitters, no conflicts (2 of 4 stars). 8 submissions from 8 submitters: Benign (1); Likely benign (5). 2 of the submissions do not count toward it. Last evaluated 2025-11-05.

Conditions:
Hereditary breast ovarian cancer syndrome. Also called: Hereditary breast and ovarian cancer syndrome; Hereditary breast and ovarian cancer syndrome (HBOC); BRCA1- and BRCA2-Associated Hereditary Breast and Ovarian Cancer; Breast and ovarian cancer; Hereditary breast and ovarian cancer; Hereditary breast and/or ovarian cancer syndrome. Identifiers: Orphanet 145, MedGen C0677776, MeSH D061325, MONDO:0003582. Disease mechanism: loss of function.
Hereditary cancer-predisposing syndrome. Also called: Hereditary Cancer Syndrome; Hereditary neoplastic syndrome; Tumor predisposition; Neoplastic Syndromes, Hereditary. Identifiers: Orphanet 140162, MedGen C0027672, MeSH D009386, MONDO:0015356.
Breast-ovarian cancer, familial, susceptibility to, 1 (BROVCA1). Also called: OVARIAN CANCER, SUSCEPTIBILITY TO; BRCA1 Hereditary Breast and Ovarian Cancer. Identifiers: Orphanet 145, MedGen C2676676, MONDO:0011450, OMIM 604370. Disease mechanism: loss of function.

Allele frequency attached by ClinVar (database versions not stated): gnomAD exomes below 0.00001 and 0.00001; ExAC 0.00001.
gnomAD v4.1: 3 of 1,572,546 alleles (0.00019%); highest among the groups gnomAD compares: Middle Eastern, 0.036%; no homozygotes.

Submissions (9):

Labcorp Genetics (formerly Invitae), Labcorp
Classification: Benign for Hereditary breast ovarian cancer syndrome. Last evaluated: 2025-11-05. Review status: criteria provided, single submitter. Criteria: Invitae Variant Classification Sherloc (09022015). Collection method: clinical testing. Allele origin: germline.

Blueprint Genetics
Classification: Likely benign. Last evaluated: 2023-12-18. Review status: criteria provided, single submitter. Criteria: ACMG Guidelines, 2015. Collection method: clinical testing. Allele origin: germline.

Sema4
Classification: Likely benign for Hereditary cancer-predisposing syndrome. Last evaluated: 2021-04-02. Review status: criteria provided, single submitter. Criteria: Sema4 Curation Guidelines. Collection method: curation. Allele origin: germline.

Ambry Genetics
Classification: Likely benign for Hereditary cancer-predisposing syndrome. Last evaluated: 2020-12-22. Review status: criteria provided, single submitter. Criteria: Ambry Variant Classification Scheme 2023. Collection method: clinical testing. Allele origin: germline.

Color Diagnostics, LLC DBA Color Health
Classification: Likely benign for Hereditary cancer-predisposing syndrome. Last evaluated: 2017-12-05. Review status: criteria provided, single submitter. Criteria: ACMG Guidelines, 2015. Collection method: clinical testing. Allele origin: germline.

GeneDx
Classification: Likely benign. Last evaluated: 2015-10-09. Review status: criteria provided, single submitter. Criteria: GeneDx Variant Classification (06012015). Collection method: clinical testing. Allele origin: germline. Affected: yes.
Comment: This variant is considered likely benign or benign based on one or more of the following criteria: it is a conservative change, it occurs at a poorly conserved position in the protein, it is predicted to be benign by multiple in silico algorithms, and/or has population frequency not consistent with disease.

Counsyl
Classification: Likely benign for Breast-ovarian cancer, familial, susceptibility to, 1. Last evaluated: 2017-08-22. Review status: no assertion criteria provided. Collection method: clinical testing. Allele origin: unknown. Not counted in ClinVar's aggregate classification.

Brotman Baty Institute, University of Washington
No classification provided (evidence only). Condition: Breast-ovarian cancer, familial 1. Review status: no classification provided. Collection method: in vitro. Allele origin: not applicable. Functional consequence: functionally_normal. Not counted in ClinVar's aggregate classification.
ClinVar note: "not provided" was previously submitted as the classification for the variant. However, the classification appeared to be based only on an observation of functional data so it was converted to no classification on 2025-07-30.

Department of Pathology and Laboratory Medicine, Sinai Health System
Classification: Uncertain significance. Review status: no assertion criteria provided. Collection method: clinical testing. Allele origin: unknown. Affected: yes. Observed: 1 variant allele. Study: The Canadian Open Genetics Repository (COGR). Not counted in ClinVar's aggregate classification.
Comment: The BRCA1 c.212+4T>C variant has not been reported in the literature nor previously identified by our laboratory. This is an intronic variant residing within the consensus slice region, however it is not found to impact on splicing using the prediction programs. Another variant at c.212+3A>G reported 14 times, in BIC database, with unknown pathogenicity. In summary, based on the above information alone the clinical significance of this variant cannot be determined with certainty at the current time

Literature cited by the submitters: PubMed 21156238 (cited by Sema4); PubMed 20960228 (cited by Sema4 and Ambry Genetics); PubMed 30209399 (cited by Sema4).

NM_007294.4(BRCA1):c.212+4T>C

Gene: BRCA1 (BRCA1 DNA repair associated; minus strand). Cytogenetic location: 17q21.31.
Variant type: single nucleotide variant.
Coding change: c.212+4T>C on transcript NM_007294.4 (MANE Select); 4 bases into the intron after coding-DNA position 212, T replaced by C.
Molecular consequence: intron variant.
Genome position (GRCh38, 1-based): chr17:43,106,452, A>G on the plus strand (T>C on the coding strand, the complement: BRCA1 is on the minus strand). VCF-style: chr17-43106452-A-G. GRCh37 (hg19) VCF-style: chr17-41258469-A-G.
Other names: c.212+4T>C (NM_001408425.1, NM_001407681.1, NM_001407675.1 and 167 more transcripts); c.-169-1496T>C (NM_001407965.1, NM_001407959.1, NM_001407962.1 and 4 more transcripts); c.71+4T>C (NM_001407930.1, NM_001407843.1, NM_001408456.1 and 99 more transcripts); c.2+26T>C (NM_001408482.1, NM_001407954.1, NM_001407896.1 and 58 more transcripts); c.135-1496T>C (NM_001407874.1, NM_001408416.1, NM_001408414.1 and 21 more transcripts); c.-218-11592T>C (NM_001407967.1, NM_001407966.1); c.81-1496T>C (NM_001408451.1).
Identifiers: ClinVar variation 183921 (VCV000183921.25), dbSNP rs398122652, ClinGen allele CA001417.
Genomic context (GRCh38, chr17:43,106,452, plus strand): 5'-AAATAATTTCTACTTTTTCCTACTGTGGTTGCTTCCAACCTAGCATCATTACCAAATTAT[A>G]TACCTTTTGGTTATATCATTCTTACATAAAGGACACTGTGAAGGCCCTTTCTTCTGGTTG-3'